The following is an entry in ClinVar:

NM_017780.4(CHD7):c.3379-9T>A

Gene: CHD7 (chromodomain helicase DNA binding protein 7; plus strand). Cytogenetic location: 8q12.2.
Variant type: single nucleotide variant.
Coding change: c.3379-9T>A on transcript NM_017780.4 (MANE Select); 9 bases into the intron before coding-DNA position 3379, T replaced by A.
Molecular consequence: intron variant.
Genome position (GRCh38, 1-based): chr8:60,828,654, T>A. VCF-style: chr8-60828654-T-A. GRCh37 (hg19) VCF-style: chr8-61741213-T-A.
Other names: c.1717-33575T>A (NM_001316690.1).
Identifiers: ClinVar variation 655311 (VCV000655311.8), dbSNP rs1586401989, ClinGen allele CA915945695.

ClinVar aggregate classification (germline): Uncertain significance (1 of 4 stars; one submission).

Conditions:
CHARGE syndrome (CHARGE). Also called: Coloboma, heart anomaly, choanal atresia, retardation, genital and ear anomalies; CHARGE association; Hall-Hittner syndrome; Hittner Hirsch Kreh syndrome; CHARGE ASSOCIATION--COLOBOMA, HEART ANOMALY, CHOANAL ATRESIA, RETARDATION, GENITAL AND EAR ANOMALIES. Identifiers: Orphanet 138, MedGen C0265354, MONDO:0008965.

Submission:

Labcorp Genetics (formerly Invitae), Labcorp
Classification: Uncertain significance for CHARGE syndrome. Last evaluated: 2018-10-18. Review status: criteria provided, single submitter. Criteria: Invitae Variant Classification Sherloc (09022015). Collection method: clinical testing. Allele origin: germline.
Comment: In summary, the available evidence is currently insufficient to determine the role of this variant in disease. Therefore, it has been classified as a Variant of Uncertain Significance. Algorithms developed to predict the effect of sequence changes on RNA splicing suggest that this variant may disrupt the consensus splice site, but this prediction has not been confirmed by published transcriptional studies. This variant has not been reported in the literature in individuals with CHD7-related disease. This variant is not present in population databases (ExAC no frequency). This sequence change falls in intron 13 of the CHD7 gene. It does not directly change the encoded amino acid sequence of the CHD7 protein.